The following is an entry in ClinVar:

ClinVar aggregate classification (germline): Uncertain significance (1 of 4 stars; one submission).

Conditions:
Biotin-responsive basal ganglia disease (BTBGD). Also called: Thiamine metabolism dysfunction syndrome type 2; Thiamine Transporter-2 Deficiency; Thiamine metabolism dysfunction syndrome 2 (biotin- or thiamine-responsive encephalopathy type 2); thiamine-responsive encephalopathy; THIAMINE METABOLISM DYSFUNCTION SYNDROME 2 (BIOTIN- AND THIAMINE-RESPONSIVE TYPE). Identifiers: Orphanet 199348, Orphanet 65284, MedGen C1843807, MONDO:0011841, OMIM 607483.

Submission:

Labcorp Genetics (formerly Invitae), Labcorp
Classification: Uncertain significance for Biotin-responsive basal ganglia disease. Last evaluated: 2021-02-17. Review status: criteria provided, single submitter. Criteria: Invitae Variant Classification Sherloc (09022015). Collection method: clinical testing. Allele origin: germline.
Comment: In summary, the available evidence is currently insufficient to determine the role of this variant in disease. Therefore, it has been classified as a Variant of Uncertain Significance. Experimental studies and prediction algorithms are not available or were not evaluated, and the functional significance of this variant is currently unknown. This variant has not been reported in the literature in individuals with SLC19A3-related conditions. This variant is not present in population databases (ExAC no frequency). This sequence change creates a premature translational stop signal (p.His483Profs*6) in the SLC19A3 gene. While this is not anticipated to result in nonsense mediated decay, it is expected to disrupt the last 14 amino acid(s) of the SLC19A3 protein.

NM_025243.4(SLC19A3):c.1443_1444del (p.His483fs)

Gene: SLC19A3 (solute carrier family 19 member 3; minus strand). Cytogenetic location: 2q36.3.
Variant type: Microsatellite.
Coding change: c.1443_1444del on transcript NM_025243.4 (MANE Select); coding-DNA positions 1443 to 1444, 2 bases deleted (GT; older notation c.1443_1444delGT).
Protein change: p.His483fs; shifts the reading frame from histidine 483.
Molecular consequence: frameshift variant.
Genome position (GRCh38, 1-based): chr2:227,687,444-227,687,445, AC deleted on the plus strand (GT on the coding strand, the reverse complement: SLC19A3 is on the minus strand); deleting any 2 consecutive bases within chr2:227,687,444-227,687,448 gives the same sequence; the c. name uses the placement nearest the transcript's 3' end. VCF-style (leftmost placement, unchanged base first): chr2-227687443-GAC-G. GRCh37 (hg19) VCF-style: chr2-228552159-GAC-G.
Other names: c.1443_1444del, p.His483fs (NM_001371411.1, NM_001371412.1); c.1431_1432del, p.His479fs (NM_001371413.1, NM_001371414.1); short protein forms H479fs, H483fs.
Identifiers: ClinVar variation 1410192 (VCV001410192.6), dbSNP rs2106317211, ClinGen allele CA2580616731.